The following is an entry in ClinVar:

NM_021830.5(TWNK):c.1229T>G (p.Leu410Arg)

Gene: TWNK (twinkle mtDNA helicase; plus strand). Cytogenetic location: 10q24.31.
Variant type: single nucleotide variant.
Coding change: c.1229T>G on transcript NM_021830.5 (MANE Select); coding-DNA position 1229, T replaced by G.
Protein change: p.Leu410Arg; replaces leucine 410 with arginine.
Molecular consequence: missense variant. On other transcripts: non-coding transcript variant (4), intron variant (3).
Genome position (GRCh38, 1-based): chr10:100,989,439, T>G. VCF-style: chr10-100989439-T-G. GRCh37 (hg19) VCF-style: chr10-102749196-T-G.
Other names: p.L410R:CTG>CGG; c.1229T>G, p.Leu410Arg (NM_001163812.2); c.-119-205T>G (NM_001163814.2, NM_001163813.2); c.-57-267T>G (NM_001368275.1); short protein forms L410R.
Identifiers: ClinVar variation 214186 (VCV000214186.2), dbSNP rs749345054, ClinGen allele CA320475.

ClinVar aggregate classification (germline): Likely pathogenic (1 of 4 stars; one submission).

Allele frequency attached by ClinVar (database versions not stated): ExAC 0.00001; gnomAD exomes 0.00001.

Submission:

GeneDx
Classification: Likely pathogenic. Last evaluated: 2012-07-17. Review status: criteria provided, single submitter. Criteria: GeneDx Variant Classification (06012015). Collection method: clinical testing. Allele origin: germline. Affected: yes.
Comment: p.Leu410Arg (CTG>CGG): c.1229 T>G in exon 1 of the C10ORF2 gene (NM_021830.4). The L410R missense change likely associated with a mitochondrial disorder was identified in the C10ORF2 gene. It has not been published as a mutation, nor has it been reported as a benign polymorphism to our knowledge. The amino acid change is non-conservative in that an uncharged Leucine residue is replaced by a positively charged Arginine residue. This change occurs at a highly conserved position in the C10ORF2 protein and multiple in-silico analysis programs predict that L410R is damaging to the C10ORF2 protein. Therefore, L410R is a strong candidate for a disease-causing mutation, however the possibility that it is a benign variant cannot be excluded. The variant is found in MITONUC-MITOP panel(s).